The following is an entry in ClinVar:

NM_001365999.1(SZT2):c.92G>A (p.Arg31His)

Gene: SZT2 (SZT2 subunit of KICSTOR complex; plus strand). Cytogenetic location: 1p34.2.
Variant type: single nucleotide variant.
Coding change: c.92G>A on transcript NM_001365999.1 (MANE Select); coding-DNA position 92, G replaced by A.
Protein change: p.Arg31His; replaces arginine 31 with histidine.
Molecular consequence: missense variant.
Genome position (GRCh38, 1-based): chr1:43,403,241, G>A. VCF-style: chr1-43403241-G-A. GRCh37 (hg19) VCF-style: chr1-43868912-G-A.
Other names: c.92G>A, p.Arg31His (NM_015284.4); short protein forms R31H.
Identifiers: ClinVar variation 411934 (VCV000411934.8), dbSNP rs772662249, ClinGen allele CA808073.

ClinVar aggregate classification (germline): Uncertain significance. Review status: criteria provided, multiple submitters, no conflicts (2 of 4 stars). 2 submissions from 2 submitters: Uncertain significance (2). Last evaluated 2023-10-11.

Allele frequency attached by ClinVar (database versions not stated): TOPMed below 0.00001; gnomAD 0.00001 and 0.00002; gnomAD exomes 0.00002; ExAC 0.00003.
gnomAD v4.1: 23 of 1,613,972 alleles (0.0014%); highest among the groups gnomAD compares: African/African-American, 0.0027%; no homozygotes.

Submissions (2):

Blueprint Genetics
Classification: Uncertain significance. Last evaluated: 2023-10-11. Review status: criteria provided, single submitter. Criteria: ACMG Guidelines, 2015. Collection method: clinical testing. Allele origin: germline.

Labcorp Genetics (formerly Invitae), Labcorp
Classification: Uncertain significance. Last evaluated: 2021-08-26. Review status: criteria provided, single submitter. Criteria: Invitae Variant Classification Sherloc (09022015). Collection method: clinical testing. Allele origin: germline.
Comment: This sequence change replaces arginine with histidine at codon 31 of the SZT2 protein (p.Arg31His). The arginine residue is weakly conserved and there is a small physicochemical difference between arginine and histidine. This variant is present in population databases (rs772662249, ExAC 0.006%). This variant has not been reported in the literature in individuals affected with SZT2-related conditions. Algorithms developed to predict the effect of missense changes on protein structure and function are either unavailable or do not agree on the potential impact of this missense change (SIFT: "Deleterious"; PolyPhen-2: "Probably Damaging"; Align-GVGD: "Class C0"). In summary, the available evidence is currently insufficient to determine the role of this variant in disease. Therefore, it has been classified as a Variant of Uncertain Significance.